The following is an entry in ClinVar:

ClinVar aggregate classification (germline): Benign/Likely benign. Review status: criteria provided, multiple submitters, no conflicts (2 of 4 stars). 15 submissions from 15 submitters: Benign (7); Likely benign (4). 4 of the submissions do not count toward it. Last evaluated 2026-02-03.

Conditions:
Cardiovascular phenotype. Identifiers: MedGen CN230736.
Cardiomyopathy (CMYO). Also called: Cardiomyopathies. Identifiers: Orphanet 167848, MedGen C0878544, MONDO:0004994, HP:0001638. Inheritance: Various modes of inheritance.
Hypertrophic cardiomyopathy. Also called: HYPERTROPHIC MYOCARDIOPATHY. Identifiers: Orphanet 217569, MedGen C0007194, MeSH D002312, MONDO:0005045, HP:0001639.

Allele frequency attached by ClinVar (database versions not stated): gnomAD exomes 0.00059; ExAC 0.00067; ESP Exome Variant Server 0.00162; TOPMed 0.00203; gnomAD 0.00223; 1000 Genomes Project 30x 0.00297; 1000 Genomes Project 0.00300.
gnomAD v4.1: 599 of 1,599,242 alleles (0.037%); highest among the groups gnomAD compares: African/African-American, 0.68%; 2 homozygotes.

Submissions (15):

Labcorp Genetics (formerly Invitae), Labcorp
Classification: Benign for Hypertrophic cardiomyopathy. Last evaluated: 2026-02-03. Review status: criteria provided, single submitter. Criteria: Invitae Variant Classification Sherloc (09022015). Collection method: clinical testing. Allele origin: germline.

CeGaT Center for Human Genetics Tuebingen
Classification: Likely benign. Last evaluated: 2025-10-01. Review status: criteria provided, single submitter. Criteria: CeGaT Center For Human Genetics Tuebingen Variant Classification Criteria Version 2. Collection method: clinical testing. Allele origin: germline. Affected: yes. Observed: 1 variant allele.
Comment: MYBPC3: BS2

All of Us Research Program, National Institutes of Health
Classification: Benign for Hypertrophic cardiomyopathy. Last evaluated: 2024-09-23. Review status: criteria provided, single submitter. Criteria: ACMG Guidelines, 2015. Collection method: clinical testing. Allele origin: germline. Inheritance: Autosomal dominant inheritance. Observed: 177 variant alleles, 176 heterozygotes, 1 homozygote.
Comment: This study involves interpretation of variants in research participants for the purpose of population health screening. Participant phenotype was not available at the time of variant classification. Additional details can be found in publication PMID: 35346344, PMCID: PMC8962531

Blueprint Genetics
Classification: Benign. Last evaluated: 2024-06-05. Review status: criteria provided, single submitter. Criteria: ACMG Guidelines, 2015. Collection method: clinical testing. Allele origin: germline.

ARUP Laboratories, Molecular Genetics and Genomics, ARUP Laboratories
Classification: Likely benign. Last evaluated: 2023-03-09. Review status: criteria provided, single submitter. Criteria: ARUP Molecular Germline Variant Investigation Process 2024. Collection method: clinical testing. Allele origin: germline.

Ambry Genetics
Classification: Benign for Cardiovascular phenotype. Last evaluated: 2019-02-22. Review status: criteria provided, single submitter. Criteria: Ambry Variant Classification Scheme 2023. Collection method: clinical testing. Allele origin: germline.

Color Diagnostics, LLC DBA Color Health
Classification: Benign for Cardiomyopathy. Last evaluated: 2019-01-16. Review status: criteria provided, single submitter. Criteria: ACMG Guidelines, 2015. Collection method: clinical testing. Allele origin: germline.

Laboratory for Molecular Medicine, Mass General Brigham Personalized Medicine
Classification: Benign. Last evaluated: 2018-06-04. Review status: criteria provided, single submitter. Criteria: LMM Criteria. Collection method: clinical testing. Allele origin: germline. Observed: 20 variant alleles.
Comment: This variant is classified as benign because it has been identified in 0.7% (182 /23792) of African chromosomes including 2 homozygotes, by the genome Aggregatio n Database (gnomAD; dbSNP rs3729799). ACMG/AM P Criteria applied: BA1.

Center for Advanced Laboratory Medicine, UC San Diego Health, University of California San Diego
Classification: Likely benign for Cardiomyopathy. Last evaluated: 2017-06-06. Review status: criteria provided, single submitter. Criteria: ACMG Guidelines, 2015. Collection method: clinical testing. Allele origin: germline. Affected: yes. Observed: 2 variant alleles.

Molecular Diagnostic Laboratory for Inherited Cardiovascular Disease, Montreal Heart Institute
Classification: Likely benign. Last evaluated: 2013-09-26. Review status: criteria provided, single submitter. Criteria: ACMG Guidelines, 2015. Collection method: clinical testing. Allele origin: germline. Affected: yes.

GeneDx
Classification: Benign. Last evaluated: 2012-05-08. Review status: criteria provided, single submitter. Criteria: GeneDx Variant Classification (06012015). Collection method: clinical testing. Allele origin: germline. Affected: yes.
Comment: This variant is considered likely benign or benign based on one or more of the following criteria: it is a conservative change, it occurs at a poorly conserved position in the protein, it is predicted to be benign by multiple in silico algorithms, and/or has population frequency not consistent with disease.

Clinical Genetics DNA and cytogenetics Diagnostics Lab, Erasmus MC, Erasmus Medical Center
Classification: Benign. Review status: no assertion criteria provided. Collection method: clinical testing. Allele origin: germline. Affected: yes. Study: VKGL Data-share Consensus. Not counted in ClinVar's aggregate classification.

Clinical Genetics, Academic Medical Center
Classification: Benign. Review status: no assertion criteria provided. Collection method: clinical testing. Allele origin: germline. Affected: yes. Study: VKGL Data-share Consensus. Not counted in ClinVar's aggregate classification.

Genome Diagnostics Laboratory, University Medical Center Utrecht
Classification: Benign. Review status: no assertion criteria provided. Collection method: clinical testing. Allele origin: germline. Affected: yes. Study: VKGL Data-share Consensus. Not counted in ClinVar's aggregate classification.

Joint Genome Diagnostic Labs from Nijmegen and Maastricht, Radboudumc and MUMC+
Classification: Likely benign. Review status: no assertion criteria provided. Collection method: clinical testing. Allele origin: germline. Affected: yes. Study: VKGL Data-share Consensus. Not counted in ClinVar's aggregate classification.

Literature cited by the submitters: PubMed 11815426 (cited by Ambry Genetics and Laboratory for Molecular Medicine, Mass General Brigham Personalized Medicine); PubMed 14718142 (cited by Ambry Genetics and Laboratory for Molecular Medicine, Mass General Brigham Personalized Medicine); PubMed 18403758 (cited by Ambry Genetics); PubMed 21310275 (cited by Ambry Genetics); PubMed 22763267 (cited by Ambry Genetics); PubMed 22958901 (cited by Ambry Genetics); PubMed 23785128 (cited by Ambry Genetics); PubMed 24503780 (cited by Ambry Genetics); PubMed 25351510 (cited by Ambry Genetics); PubMed 3140859 (cited by Laboratory for Molecular Medicine, Mass General Brigham Personalized Medicine).

NM_000256.3(MYBPC3):c.3004C>T (p.Arg1002Trp)

Gene: MYBPC3 (myosin binding protein C3; minus strand). Cytogenetic location: 11p11.2.
Variant type: single nucleotide variant.
Coding change: c.3004C>T on transcript NM_000256.3 (MANE Select); coding-DNA position 3004, C replaced by T.
Protein change: p.Arg1002Trp; replaces arginine 1002 with tryptophan.
Molecular consequence: missense variant.
Genome position (GRCh38, 1-based): chr11:47,333,743, G>A on the plus strand (C>T on the coding strand, the complement: MYBPC3 is on the minus strand). VCF-style: chr11-47333743-G-A. GRCh37 (hg19) VCF-style: chr11-47355294-G-A.
Other names: p.R1002W:CGG>TGG; short protein forms R1002W.
Identifiers: ClinVar variation 42676 (VCV000042676.80), dbSNP rs3729799, ClinGen allele CA013316.